The following is an entry in ClinVar:

ClinVar aggregate classification (germline): Uncertain significance (1 of 4 stars; one submission).

Submission:

GeneDx
Classification: Uncertain significance. Last evaluated: 2025-01-29. Review status: criteria provided, single submitter. Criteria: GeneDx Variant Classification Process June 2021. Collection method: clinical testing. Allele origin: germline. Affected: yes.
Comment: Not observed at significant frequency in large population cohorts (gnomAD); In silico analysis supports that this missense variant has a deleterious effect on protein structure/function; Has not been previously published as pathogenic or benign to our knowledge

NM_001145026.2(PTPRQ):c.1142G>A (p.Gly381Glu)

Gene: PTPRQ (protein tyrosine phosphatase receptor type Q; plus strand). Cytogenetic location: 12q21.31.
Variant type: single nucleotide variant.
Coding change: c.1142G>A on transcript NM_001145026.2 (MANE Select); coding-DNA position 1142, G replaced by A.
Protein change: p.Gly381Glu; replaces glycine 381 with glutamic acid.
Molecular consequence: missense variant.
Genome position (GRCh38, 1-based): chr12:80,472,207, G>A. VCF-style: chr12-80472207-G-A. GRCh37 (hg19) VCF-style: chr12-80865986-G-A.
Other names: short protein forms G381E.
Identifiers: ClinVar variation 4072511 (VCV004072511.1).